The following is an entry in ClinVar:

NM_000890.5(KCNJ5):c.331A>G (p.Ile111Val)

Gene: KCNJ5 (potassium inwardly rectifying channel subfamily J member 5; plus strand). Cytogenetic location: 11q24.3.
Variant type: single nucleotide variant.
Coding change: c.331A>G on transcript NM_000890.5 (MANE Select); coding-DNA position 331, A replaced by G.
Protein change: p.Ile111Val; replaces isoleucine 111 with valine.
Molecular consequence: missense variant.
Genome position (GRCh38, 1-based): chr11:128,911,604, A>G. VCF-style: chr11-128911604-A-G. GRCh37 (hg19) VCF-style: chr11-128781499-A-G.
Other names: c.331A>G, p.Ile111Val (NM_001354169.2); short protein forms I111V.
Identifiers: ClinVar variation 1730171 (VCV001730171.2), dbSNP rs2497722951, ClinGen allele CA383247241.

ClinVar aggregate classification (germline): Uncertain significance (1 of 4 stars; one submission).

Conditions:
Cardiovascular phenotype. Identifiers: MedGen CN230736.

Submission:

Ambry Genetics
Classification: Uncertain significance for Cardiovascular phenotype. Last evaluated: 2021-07-07. Review status: criteria provided, single submitter. Criteria: Ambry Variant Classification Scheme 2023. Collection method: clinical testing. Allele origin: germline.
Comment: The p.I111V variant (also known as c.331A>G), located in coding exon 1 of the KCNJ5 gene, results from an A to G substitution at nucleotide position 331. The isoleucine at codon 111 is replaced by valine, an amino acid with highly similar properties. This amino acid position is conserved. In addition, the in silico prediction for this alteration is inconclusive. Since supporting evidence is limited at this time, the clinical significance of this alteration remains unclear.